The following is an entry in ClinVar:

ClinVar aggregate classification (germline): Uncertain significance (1 of 4 stars; one submission).

Conditions:
Mucopolysaccharidosis type 1. Also called: IDUA deficiency; MPS I; Mucopolysaccharidosis Type I. Identifiers: Orphanet 579, MedGen C0023786, MONDO:0001586.

Allele frequency attached by ClinVar (database versions not stated): TOPMed 0.00004; gnomAD exomes below 0.00001; gnomAD 0.00003.
gnomAD v4.1: 7 of 1,471,834 alleles (0.00048%); highest among the groups gnomAD compares: African/African-American, 0.0088%; no homozygotes.

Submission:

Labcorp Genetics (formerly Invitae), Labcorp
Classification: Uncertain significance for Mucopolysaccharidosis type 1. Last evaluated: 2022-02-28. Review status: criteria provided, single submitter. Criteria: Invitae Variant Classification Sherloc (09022015). Collection method: clinical testing. Allele origin: germline.
Comment: This sequence change replaces proline, which is neutral and non-polar, with histidine, which is basic and polar, at codon 3 of the IDUA protein (p.Pro3His). The frequency data for this variant in the population databases is considered unreliable, as metrics indicate poor data quality at this position in the gnomAD database. This variant has not been reported in the literature in individuals affected with IDUA-related conditions. Advanced modeling of protein sequence and biophysical properties (such as structural, functional, and spatial information, amino acid conservation, physicochemical variation, residue mobility, and thermodynamic stability) performed at Invitae indicates that this missense variant is expected to disrupt IDUA protein function. In summary, the available evidence is currently insufficient to determine the role of this variant in disease. Therefore, it has been classified as a Variant of Uncertain Significance.

NM_000203.5(IDUA):c.8C>A (p.Pro3His)

Genes: IDUA (alpha-L-iduronidase; plus strand), SLC26A1 (solute carrier family 26 member 1; minus strand). Cytogenetic location: 4p16.3.
Variant type: single nucleotide variant.
Coding change: c.8C>A on transcript NM_000203.5 (MANE Select); coding-DNA position 8, C replaced by A.
Protein change: p.Pro3His; replaces proline 3 with histidine.
Molecular consequence: missense variant. On other transcripts: non-coding transcript variant (1), intron variant (1).
Genome position (GRCh38, 1-based): chr4:987,092, C>A. VCF-style: chr4-987092-C-A. GRCh37 (hg19) VCF-style: chr4-980880-C-A.
Other names: c.576+4036G>T (NM_134425.4); short protein forms P3H.
Identifiers: ClinVar variation 2144212 (VCV002144212.1), dbSNP rs1333424959, ClinGen allele CA355945226.
Genomic context (GRCh38, chr4:987,092, plus strand): 5'-GGCGGAACCGGCAGTGCAGCCCGAAGCCCCGCAGTCCCCGAGCACGCGTGGCCATGCGTC[C>A]CCTGCGCCCCCGCGCCGCGCTGCTGGCGCTCCTGGCCTCGCTCCTGGCCGCGCCCCCGGT-3'
Protein context (NP_000194.2, residues 1-13): MR[Pro3His]LRPRAALLAL